The following is an entry in ClinVar:

ClinVar aggregate classification (germline): Uncertain significance (1 of 4 stars; one submission).

Conditions:
Early-infantile DEE. Also called: Early infantile epileptic encephalopathy with suppression bursts; Early infantile epileptic encephalopathy; Ohtahara syndrome. Identifiers: Orphanet 1934, MedGen C0393706, MONDO:0800491.

Submission:

Labcorp Genetics (formerly Invitae), Labcorp
Classification: Uncertain significance for Early-infantile DEE. Last evaluated: 2022-10-04. Review status: criteria provided, single submitter. Criteria: Invitae Variant Classification Sherloc (09022015). Collection method: clinical testing. Allele origin: germline.
Comment: This sequence change replaces asparagine, which is neutral and polar, with lysine, which is basic and polar, at codon 813 of the KCNQ2 protein (p.Asn813Lys). This variant is not present in population databases (gnomAD no frequency). This variant has not been reported in the literature in individuals affected with KCNQ2-related conditions. Algorithms developed to predict the effect of missense changes on protein structure and function (SIFT, PolyPhen-2, Align-GVGD) all suggest that this variant is likely to be tolerated. In summary, the available evidence is currently insufficient to determine the role of this variant in disease. Therefore, it has been classified as a Variant of Uncertain Significance.

NM_172107.4(KCNQ2):c.2439C>A (p.Asn813Lys)

Gene: KCNQ2 (potassium voltage-gated channel subfamily Q member 2; minus strand). Cytogenetic location: 20q13.33.
Variant type: single nucleotide variant.
Coding change: c.2439C>A on transcript NM_172107.4 (MANE Select); coding-DNA position 2439, C replaced by A.
Protein change: p.Asn813Lys; replaces asparagine 813 with lysine.
Molecular consequence: missense variant.
Genome position (GRCh38, 1-based): chr20:63,406,824, G>T on the plus strand (C>A on the coding strand, the complement: KCNQ2 is on the minus strand). VCF-style: chr20-63406824-G-T. GRCh37 (hg19) VCF-style: chr20-62038177-G-T.
Other names: c.2493C>A, p.Asn831Lys (NM_001382235.1); c.2355C>A, p.Asn785Lys (NM_004518.6); c.2385C>A, p.Asn795Lys (NM_172106.3); c.2346C>A, p.Asn782Lys (NM_172108.5); short protein forms N782K, N785K, N795K, N813K, N831K.
Identifiers: ClinVar variation 1720956 (VCV001720956.5), dbSNP rs2145483178, ClinGen allele CA409637071.